The following is an entry in ClinVar:

NM_001080512.3(BICC1):c.2810G>A (p.Arg937Gln)

Gene: BICC1 (BicC family RNA binding protein 1; plus strand). Cytogenetic location: 10q21.1.
Variant type: single nucleotide variant.
Coding change: c.2810G>A on transcript NM_001080512.3 (MANE Select); coding-DNA position 2810, G replaced by A.
Protein change: p.Arg937Gln; replaces arginine 937 with glutamine.
Molecular consequence: missense variant.
Genome position (GRCh38, 1-based): chr10:58,828,776, G>A. VCF-style: chr10-58828776-G-A. GRCh37 (hg19) VCF-style: chr10-60588536-G-A.
Other names: c.2810G>A (NM_001080512.2); short protein forms R937Q.
Identifiers: ClinVar variation 2172228 (VCV002172228.5), dbSNP rs770947883, ClinGen allele CA5508922.
Genomic context (GRCh38, chr10:58,828,776, plus strand): 5'-AGAACTTCTCTTGAGCTCCTAACAATTCTCTCTTTCTCTCTCTAGAACTAAATAAAAACC[G>A]AAGAAAGCTTTTTGAATCGCCAAATGCACGCACCTCTTTCCTGGAAGGTGGAGCGAGTGG-3'
Protein context (NP_001073981.1, residues 927-947): LLAISELNKN[Arg937Gln]RKLFESPNAR

ClinVar aggregate classification (germline): Uncertain significance. Review status: criteria provided, multiple submitters, no conflicts (2 of 4 stars). 2 submissions from 2 submitters: Uncertain significance (2). Last evaluated 2025-08-04.

Conditions:
BICC1-related disorder. Also called: BICC1-related condition.

Allele frequency attached by ClinVar (database versions not stated): ExAC 0.00001; gnomAD 0.00001; gnomAD exomes 0.00001; TOPMed 0.00001.
gnomAD v4.1: 8 of 1,613,302 alleles (0.0005%); highest among the groups gnomAD compares: South Asian, 0.0044%; no homozygotes.

Submissions (2):

PreventionGenetics, part of Exact Sciences
Classification: Uncertain significance for BICC1-related condition. Last evaluated: 2025-08-04. Review status: criteria provided, single submitter. Criteria: ACMG Guidelines, 2015. Collection method: clinical testing. Allele origin: germline.
Comment: The BICC1 c.2810G>A variant is predicted to result in the amino acid substitution p.Arg937Gln. To our knowledge, this variant has not been reported in the literature. This variant is reported in 0.0033% of alleles in individuals of South Asian descent in gnomAD. At this time, the clinical significance of this variant is uncertain due to the absence of conclusive functional and genetic evidence.

Labcorp Genetics (formerly Invitae), Labcorp
Classification: Uncertain significance. Last evaluated: 2022-06-24. Review status: criteria provided, single submitter. Criteria: Invitae Variant Classification Sherloc (09022015). Collection method: clinical testing. Allele origin: germline.
Comment: Algorithms developed to predict the effect of missense changes on protein structure and function are either unavailable or do not agree on the potential impact of this missense change (SIFT: "Tolerated"; PolyPhen-2: "Probably Damaging"; Align-GVGD: "Class C0"). In summary, the available evidence is currently insufficient to determine the role of this variant in disease. Therefore, it has been classified as a Variant of Uncertain Significance. This variant has not been reported in the literature in individuals affected with BICC1-related conditions. The frequency data for this variant in the population databases is considered unreliable, as metrics indicate poor data quality at this position in the gnomAD database. This sequence change replaces arginine, which is basic and polar, with glutamine, which is neutral and polar, at codon 937 of the BICC1 protein (p.Arg937Gln).